The following is an entry in ClinVar:

NM_004371.4(COPA):c.863G>A (p.Arg288His)

Gene: COPA (coat protein complex I subunit alpha; minus strand). Cytogenetic location: 1q23.2.
Variant type: single nucleotide variant.
Coding change: c.863G>A on transcript NM_004371.4 (MANE Select); coding-DNA position 863, G replaced by A.
Protein change: p.Arg288His; replaces arginine 288 with histidine.
Molecular consequence: missense variant.
Genome position (GRCh38, 1-based): chr1:160,313,147, C>T on the plus strand (G>A on the coding strand, the complement: COPA is on the minus strand). VCF-style: chr1-160313147-C-T. GRCh37 (hg19) VCF-style: chr1-160282937-C-T.
Other names: c.863G>A, p.Arg288His (LRG_1336t1, NM_001098398.2); short protein forms R288H.
Identifiers: ClinVar variation 579409 (VCV000579409.8), dbSNP rs781647709, ClinGen allele CA1198263.

ClinVar aggregate classification (germline): Uncertain significance (1 of 4 stars; one submission).

Conditions:
Autoimmune interstitial lung disease-arthritis syndrome. Also called: Autoinflammation and autoimmunity, systemic, with immune dysregulation. Identifiers: Orphanet 444092, MedGen C5975714, MONDO:0014629.

Allele frequency attached by ClinVar (database versions not stated): TOPMed below 0.00001; gnomAD 0.00001; ExAC 0.00002; gnomAD exomes 0.00002.
gnomAD v4.1: 23 of 1,613,842 alleles (0.0014%); highest among the groups gnomAD compares: South Asian, 0.012%; no homozygotes.

Submission:

Labcorp Genetics (formerly Invitae), Labcorp
Classification: Uncertain significance for Autoimmune interstitial lung disease-arthritis syndrome. Last evaluated: 2022-07-19. Review status: criteria provided, single submitter. Criteria: Invitae Variant Classification Sherloc (09022015). Collection method: clinical testing. Allele origin: germline.
Comment: In summary, the available evidence is currently insufficient to determine the role of this variant in disease. Therefore, it has been classified as a Variant of Uncertain Significance. Advanced modeling of protein sequence and biophysical properties (such as structural, functional, and spatial information, amino acid conservation, physicochemical variation, residue mobility, and thermodynamic stability) performed at Invitae indicates that this missense variant is expected to disrupt COPA protein function. ClinVar contains an entry for this variant (Variation ID: 579409). This variant has not been reported in the literature in individuals affected with COPA-related conditions. This variant is present in population databases (rs781647709, gnomAD 0.01%). This sequence change replaces arginine, which is basic and polar, with histidine, which is basic and polar, at codon 288 of the COPA protein (p.Arg288His).